The following is an entry in ClinVar:

NM_001377.3(DYNC2H1):c.5547del (p.Phe1849fs)

Gene: DYNC2H1 (dynein cytoplasmic 2 heavy chain 1; plus strand). Cytogenetic location: 11q22.3.
Variant type: Deletion.
Coding change: c.5547del on transcript NM_001377.3 (MANE Select); coding-DNA position 5547, one base deleted (C; older notation c.5547delC).
Protein change: p.Phe1849fs; shifts the reading frame from phenylalanine 1849.
Molecular consequence: frameshift variant.
Genome position (GRCh38, 1-based): chr11:103,173,294, C deleted. VCF-style (leftmost placement, unchanged base first): chr11-103173293-TC-T. GRCh37 (hg19) VCF-style: chr11-103044022-TC-T.
Other names: c.5547del, p.Phe1849fs (NM_001080463.2); c.5547delC (NM_001377.2); c.5547del (NM_001080463.1); short protein forms F1849fs.
Identifiers: ClinVar variation 407162 (VCV000407162.14), dbSNP rs771003300, ClinGen allele CA6253784.
Genomic context (GRCh38, chr11:103,173,293, plus strand): 5'-TTCTCTATTCGGAAGGCTTTAAAGACGCTAAAGTATTGAGCAGAAAATTGGTAGCTATTT[TC>T]AATCTATCTAGGTGAGTTTTCTTGTTCTAAATATTTTTATATTTTACATTTCTAATGATT-3'

ClinVar aggregate classification (germline): Pathogenic/Likely pathogenic. Review status: criteria provided, multiple submitters, no conflicts (2 of 4 stars). 4 submissions from 4 submitters: Pathogenic (3); Likely pathogenic (1). Last evaluated 2025-02-12.

Conditions:
Jeune thoracic dystrophy. Also called: Jeune syndrome; Infantile thoracic dystrophy; Thoracic pelvic phalangeal dystrophy; Jeune's syndrome; Chondroectodermal dysplasia-like syndrome; Short-rib thoracic dysplasia. Identifiers: Orphanet 474, MedGen C0265275, MONDO:0018770.
Asphyxiating thoracic dystrophy 3. Also called: SHORT-RIB THORACIC DYSPLASIA 3 WITH OR WITHOUT POLYDACTYLY; POLYDACTYLY WITH NEONATAL CHONDRODYSTROPHY, TYPE I; SHORT-RIB THORACIC DYSPLASIA 3/6 WITH POLYDACTYLY, DIGENIC; Short rib polydactyly syndrome 2B; Saldino-Noonan Syndrome. Identifiers: Orphanet 474, Orphanet 93269, Orphanet 93270, Orphanet 93271, MedGen C0036069, MONDO:0013127, OMIM 613091.
DYNC2H1-related disorder. Also called: DYNC2H1-related condition; DYNC2H1-related disorders. Identifiers: MedGen CN378770.

Allele frequency attached by ClinVar (database versions not stated): TOPMed below 0.00001; gnomAD 0.00001 and 0.00002; gnomAD exomes 0.00001; ExAC 0.00002.

Submissions (4):

GeneDx
Classification: Pathogenic. Last evaluated: 2025-02-12. Review status: criteria provided, single submitter. Criteria: GeneDx Variant Classification Process June 2021. Collection method: clinical testing. Allele origin: germline. Affected: yes.
Comment: Frameshift variant predicted to result in protein truncation or nonsense mediated decay in a gene for which loss of function is a known mechanism of disease; Not observed at significant frequency in large population cohorts (gnomAD); This variant is associated with the following publications: (PMID: 33249554)

PreventionGenetics, part of Exact Sciences
Classification: Likely pathogenic for DYNC2H1-related condition. Last evaluated: 2023-06-06. Review status: criteria provided, single submitter. Criteria: ACMG Guidelines, 2015. Collection method: clinical testing. Allele origin: germline.
Comment: The DYNC2H1 c.5547delC variant is predicted to result in a frameshift and premature protein termination (p.Phe1849Leufs*8). To our knowledge, this variant has not been reported in the literature. This variant is reported in 0.0030% of alleles in individuals of European (Non-Finnish) descent in gnomAD. Frameshift variants in DYNC2H1 are expected to be pathogenic. This variant is interpreted as likely pathogenic.

Labcorp Genetics (formerly Invitae), Labcorp
Classification: Pathogenic for Jeune thoracic dystrophy. Last evaluated: 2023-03-22. Review status: criteria provided, single submitter. Criteria: Invitae Variant Classification Sherloc (09022015). Collection method: clinical testing. Allele origin: germline.
Comment: This sequence change creates a premature translational stop signal (p.Phe1849Leufs*8) in the DYNC2H1 gene. It is expected to result in an absent or disrupted protein product. Loss-of-function variants in DYNC2H1 are known to be pathogenic (PMID: 23339108, 32753734). This variant is present in population databases (rs771003300, gnomAD 0.003%). This variant has not been reported in the literature in individuals affected with DYNC2H1-related conditions. ClinVar contains an entry for this variant (Variation ID: 407162). For these reasons, this variant has been classified as Pathogenic.

Victorian Clinical Genetics Services, Murdoch Childrens Research Institute
Classification: Pathogenic for Asphyxiating thoracic dystrophy 3. Last evaluated: 2022-02-02. Review status: criteria provided, single submitter. Criteria: ACMG Guidelines, 2015. Collection method: clinical testing. Allele origin: germline. Inheritance: Autosomal recessive inheritance. Affected: yes.
Comment: Based on the classification scheme VCGS_Germline_v1.3.4, this variant is classified as Pathogenic. Following criteria are met: 0102 - Loss of function is a known mechanism of disease in this gene and is associated with short-rib thoracic dysplasia 3 with or without polydactyly (MIM#613091). (I) 0106 - This gene is associated with autosomal recessive disease. (I) 0201 - Variant is predicted to cause nonsense-mediated decay (NMD) and loss of protein (premature termination codon is located at least 54 nucleotides upstream of the final exon-exon junction). (SP) 0251 - This variant is heterozygous. (I) 0304 - Variant is present in gnomAD (v3) <0.01 for a recessive condition (3 heterozygotes, 0 homozygotes). (SP) 0701 - Other NMD-predicted variants comparable to the one identified in this case have very strong previous evidence for pathogenicity. Many other variants predicted to result in a loss of function have previously been reported in individuals with short-rib thoracic dysplasia 3 with or without polydactyly (MIM#613091) (ClinVar, DECIPHER). (SP) 0803 - This variant has limited previous evidence of pathogenicity in unrelated individuals. Two previous reports have classified this variant as pathogenic (ClinVar, LOVD). (SP) 0905 - No published segregation evidence has been identified for this variant. (I) 1007 - No published functional evidence has been identified for this variant. (I) 1102 - Strong phenotype match for this individual. (I) Legend: (SP) - Supporting pathogenic, (I) - Information, (SB) - Supporting benign

Literature cited by the submitters: PubMed 23339108 (cited by Labcorp Genetics (formerly Invitae), Labcorp); PubMed 32753734 (cited by Labcorp Genetics (formerly Invitae), Labcorp).